The following is an entry in ClinVar:

ClinVar aggregate classification (germline): Uncertain significance (1 of 4 stars; one submission).

Submission:

GeneDx
Classification: Uncertain significance. Last evaluated: 2024-08-28. Review status: criteria provided, single submitter. Criteria: GeneDx Variant Classification Process June 2021. Collection method: clinical testing. Allele origin: germline. Affected: yes.
Comment: Not observed at significant frequency in large population cohorts (gnomAD); In silico analysis supports that this missense variant has a deleterious effect on protein structure/function; Has not been previously published as pathogenic or benign to our knowledge

NM_018136.5(ASPM):c.5135A>G (p.Tyr1712Cys)

Gene: ASPM (assembly factor for spindle microtubules; minus strand). Cytogenetic location: 1q31.3.
Variant type: single nucleotide variant.
Coding change: c.5135A>G on transcript NM_018136.5 (MANE Select); coding-DNA position 5135, A replaced by G.
Protein change: p.Tyr1712Cys; replaces tyrosine 1712 with cysteine.
Molecular consequence: missense variant. On other transcripts: intron variant (1).
Genome position (GRCh38, 1-based): chr1:197,104,116, T>C on the plus strand (A>G on the coding strand, the complement: ASPM is on the minus strand). VCF-style: chr1-197104116-T-C. GRCh37 (hg19) VCF-style: chr1-197073246-T-C.
Other names: c.4066-7952A>G (NM_001206846.2); short protein forms Y1712C.
Identifiers: ClinVar variation 3766255 (VCV003766255.1).